The following is an entry in ClinVar:

NM_014141.6(CNTNAP2):c.400T>G (p.Trp134Gly)

Gene: CNTNAP2 (contactin associated protein 2; plus strand). Cytogenetic location: 7q35.
Variant type: single nucleotide variant.
Coding change: c.400T>G on transcript NM_014141.6 (MANE Select); coding-DNA position 400, T replaced by G.
Protein change: p.Trp134Gly; replaces tryptophan 134 with glycine.
Molecular consequence: missense variant.
Genome position (GRCh38, 1-based): chr7:146,839,902, T>G. VCF-style: chr7-146839902-T-G. GRCh37 (hg19) VCF-style: chr7-146536994-T-G.
Other names: p.W134G:TGG>GGG; p.Trp134Gly; short protein forms W134G.
Identifiers: ClinVar variation 205321 (VCV000205321.35), dbSNP rs139694086, ClinGen allele CA314275.

ClinVar aggregate classification (germline): Uncertain significance. Review status: criteria provided, multiple submitters, no conflicts (2 of 4 stars). 9 submissions from 9 submitters: Uncertain significance (9). Last evaluated 2025-10-01.

Conditions:
Inborn genetic diseases. Identifiers: MedGen C0950123, MeSH D030342.
Cortical dysplasia-focal epilepsy syndrome (PTHSL1). Also called: Pitt-Hopkins-like syndrome 1. Identifiers: Orphanet 163681, Orphanet 221150, MedGen C2750246, MONDO:0012400, OMIM 610042.

Allele frequency attached by ClinVar (database versions not stated): ESP Exome Variant Server 0.00015; ExAC 0.00016; gnomAD exomes 0.00016 and 0.00026; gnomAD 0.00020 and 0.00021; TOPMed 0.00022.
gnomAD v4.1: 410 of 1,614,004 alleles (0.025%); highest among the groups gnomAD compares: Non-Finnish European, 0.029%; no homozygotes.

Submissions (9):

CeGaT Center for Human Genetics Tuebingen
Classification: Uncertain significance. Last evaluated: 2025-10-01. Review status: criteria provided, single submitter. Criteria: CeGaT Center For Human Genetics Tuebingen Variant Classification Criteria Version 2. Collection method: clinical testing. Allele origin: germline. Affected: yes. Observed: 1 variant allele.
Comment: CNTNAP2: PM2, PP3

GeneDx
Classification: Uncertain significance. Last evaluated: 2025-02-24. Review status: criteria provided, single submitter. Criteria: GeneDx Variant Classification Process June 2021. Collection method: clinical testing. Allele origin: germline. Affected: yes.
Comment: Reported previously in the compound heterozygous state in a patient with multifocal epilepsy, moderate intellectual disability, autism spectrum disorder, ADHD, language impairment, and neuroimaging abnormalities; this patient also harbored variants in other genes (PMID: 37183190); In silico analysis supports that this missense variant has a deleterious effect on protein structure/function; This variant is associated with the following publications: (PMID: 37183190)

Labcorp Genetics (formerly Invitae), Labcorp
Classification: Uncertain significance for Cortical dysplasia-focal epilepsy syndrome. Last evaluated: 2024-01-07. Review status: criteria provided, single submitter. Criteria: Invitae Variant Classification Sherloc (09022015). Collection method: clinical testing. Allele origin: germline.
Comment: This sequence change replaces tryptophan, which is neutral and slightly polar, with glycine, which is neutral and non-polar, at codon 134 of the CNTNAP2 protein (p.Trp134Gly). This variant is present in population databases (rs139694086, gnomAD 0.1%). This missense change has been observed in individual(s) with Pitt-Hopkins-like syndrome (PMID: 37183190). ClinVar contains an entry for this variant (Variation ID: 205321). An algorithm developed to predict the effect of missense changes on protein structure and function (PolyPhen-2) suggests that this variant is likely to be disruptive. In summary, the available evidence is currently insufficient to determine the role of this variant in disease. Therefore, it has been classified as a Variant of Uncertain Significance.

Mayo Clinic Laboratories, Mayo Clinic
Classification: Uncertain significance. Last evaluated: 2023-04-12. Review status: criteria provided, single submitter. Criteria: ACMG Guidelines, 2015. Collection method: clinical testing. Allele origin: germline. Observed: 1 variant allele.
Comment: PP3

St. Anna Children's Cancer Research Institute (CCRI)
Classification: Uncertain significance for Cortical dysplasia-focal epilepsy syndrome. Last evaluated: 2023-02-08. Review status: criteria provided, single submitter. Criteria: ACMG Guidelines, 2015. Collection method: research. Allele origin: biparental. Inheritance: Autosomal recessive inheritance. Affected: yes. Observed: 1 compound heterozygote.
Comment: ACMG classification of pathogenicity variant 1: PM2, PP3

Ambry Genetics
Classification: Uncertain significance for Inborn genetic diseases. Last evaluated: 2021-07-13. Review status: criteria provided, single submitter. Criteria: Ambry Variant Classification Scheme 2023. Collection method: clinical testing. Allele origin: germline.

Athena Diagnostics
Classification: Uncertain significance. Last evaluated: 2019-03-15. Review status: criteria provided, single submitter. Criteria: Athena Diagnostics Criteria. Collection method: clinical testing. Allele origin: germline.

Eurofins Ntd Llc (ga)
Classification: Uncertain significance. Last evaluated: 2018-01-12. Review status: criteria provided, single submitter. Criteria: EGL Classification Definitions 2015. Collection method: clinical testing. Allele origin: germline. Observed: 4 variant alleles, 4 heterozygotes.

Illumina Laboratory Services, Illumina
Classification: Uncertain significance for Cortical dysplasia-focal epilepsy syndrome. Last evaluated: 2017-04-28. Review status: criteria provided, single submitter. Criteria: ICSL Variant Classification Criteria 13 December 2019. Collection method: clinical testing. Allele origin: germline.

Literature cited by the submitters: PubMed 37183190 (cited by Labcorp Genetics (formerly Invitae), Labcorp); PubMed 28252636 (cited by Mayo Clinic Laboratories, Mayo Clinic and Ambry Genetics).